The following is an entry in ClinVar:

ClinVar aggregate classification (germline): Conflicting classifications of pathogenicity. Review status: criteria provided, conflicting classifications (1 of 4 stars). 3 submissions from 3 submitters: Likely pathogenic (1); Uncertain significance (1). 1 of the submissions does not count toward it. Last evaluated 2024-09-16.

Conditions:
Mucopolysaccharidosis, MPS-III-B (MPS3B). Also called: MPS III B; MUCOPOLYSACCHARIDOSIS, TYPE IIIB; N-ACETYL-ALPHA-D-GLUCOSAMINIDASE DEFICIENCY; NAGLU DEFICIENCY; SANFILIPPO SYNDROME B; Mucopolysaccharidosis type IIIB (Sanfilippo B). Identifiers: Orphanet 79270, MedGen C0086648, MONDO:0009656, OMIM 252920.
NAGLU-related disorder. Also called: NAGLU-related condition.

Allele frequency attached by ClinVar (database versions not stated): gnomAD 0.00001; TOPMed below 0.00001.

Submissions (3):

Women's Health and Genetics/Laboratory Corporation of America, LabCorp
Classification: Uncertain significance. Last evaluated: 2024-09-16. Review status: criteria provided, single submitter. Criteria: LabCorp Variant Classification Summary - May 2015. Collection method: clinical testing. Allele origin: germline.
Comment: Variant summary: NAGLU c.208G>C (p.Gly70Arg) results in a non-conservative amino acid change located in the Alpha-N-acetylglucosaminidase, N-terminal (IPR024240) of the encoded protein sequence. Three of five in-silico tools predict a damaging effect of the variant on protein function. The variant was absent in 13176 control chromosomes. The available data on variant occurrences in the general population are insufficient to allow any conclusion about variant significance. c.208G>C has been reported in the literature in an individual affected with Mucopolysaccharidosis (Pollard_2013). These report(s) do not provide unequivocal conclusions about association of the variant with Mucopolysaccharidosis Type IIIB (Sanfilippo Syndrome B). To our knowledge, no experimental evidence demonstrating an impact on protein function has been reported. The following publication have been ascertained in the context of this evaluation (PMID: 22976768). ClinVar contains an entry for this variant (Variation ID: 557699). Based on the evidence outlined above, the variant was classified as uncertain significance.

Blueprint Genetics
Classification: Likely pathogenic for NAGLU-related disorders. Last evaluated: 2023-06-22. Review status: criteria provided, single submitter. Criteria: ACMG Guidelines, 2015. Collection method: clinical testing. Allele origin: germline. Affected: yes. Observed: 5 variant alleles.

Counsyl
Classification: Uncertain significance for Mucopolysaccharidosis, MPS-III-B. Last evaluated: 2018-04-10. Review status: no assertion criteria provided. Collection method: clinical testing. Allele origin: unknown. Not counted in ClinVar's aggregate classification.

Literature cited by the submitters: PubMed 22976768 (cited by Women's Health and Genetics/Laboratory Corporation of America, LabCorp and Counsyl).

NM_000263.4(NAGLU):c.208G>C (p.Gly70Arg)

Genes: NAGLU (N-acetyl-alpha-glucosaminidase; plus strand), LOC130060903 (ATAC-STARR-seq lymphoblastoid silent region 8533; plus strand). Cytogenetic location: 17q21.2.
Variant type: single nucleotide variant.
Coding change: c.208G>C on transcript NM_000263.4 (MANE Select); coding-DNA position 208, G replaced by C.
Protein change: p.Gly70Arg; replaces glycine 70 with arginine.
Molecular consequence: missense variant.
Genome position (GRCh38, 1-based): chr17:42,536,480, G>C. VCF-style: chr17-42536480-G-C. GRCh37 (hg19) VCF-style: chr17-40688498-G-C.
Other names: short protein forms G70R.
Identifiers: ClinVar variation 557699 (VCV000557699.4), dbSNP rs1329159364, ClinGen allele CA399595649.